The following is an entry in ClinVar:

NM_153252.5(BRWD3):c.1577A>C (p.Asn526Thr)

Gene: BRWD3 (bromodomain and WD repeat domain containing 3; minus strand). Cytogenetic location: Xq21.1.
Variant type: single nucleotide variant.
Coding change: c.1577A>C on transcript NM_153252.5 (MANE Select); coding-DNA position 1577, A replaced by C.
Protein change: p.Asn526Thr; replaces asparagine 526 with threonine.
Molecular consequence: missense variant.
Genome position (GRCh38, 1-based): chrX:80,723,821, T>G on the plus strand (A>C on the coding strand, the complement: BRWD3 is on the minus strand). VCF-style: chrX-80723821-T-G. GRCh37 (hg19) VCF-style: chrX-79979320-T-G.
Other names: short protein forms N526T.
Identifiers: ClinVar variation 3770021 (VCV003770021.2).

ClinVar aggregate classification (germline): Uncertain significance (1 of 4 stars; one submission).

Submission:

GeneDx
Classification: Uncertain significance. Last evaluated: 2025-07-03. Review status: criteria provided, single submitter. Criteria: GeneDx Variant Classification Process June 2021. Collection method: clinical testing. Allele origin: germline.
Comment: Not observed at significant frequency in large population cohorts (gnomAD); In silico analysis suggests that this missense variant does not alter protein structure/function; Has not been previously published as pathogenic or benign to our knowledge